The following is an entry in ClinVar:

ClinVar aggregate classification (germline): Conflicting classifications of pathogenicity. Review status: criteria provided, conflicting classifications (1 of 4 stars). 2 submissions from 2 submitters: Uncertain significance (1); Likely benign (1). Last evaluated 2025-12-09.

Conditions:
Hereditary cancer-predisposing syndrome. Also called: Hereditary neoplastic syndrome; Neoplastic Syndromes, Hereditary; Hereditary Cancer Syndrome; Tumor predisposition. Identifiers: Orphanet 140162, MedGen C0027672, MeSH D009386, MONDO:0015356.

Allele frequency attached by ClinVar (database versions not stated): gnomAD exomes below 0.00001 and 0.00002; TOPMed 0.00001.
gnomAD v4.1: 27 of 1,596,242 alleles (0.0017%); highest among the groups gnomAD compares: Non-Finnish European, 0.0021%; no homozygotes.

Submissions (2):

Labcorp Genetics (formerly Invitae), Labcorp
Classification: Likely benign. Last evaluated: 2025-12-09. Review status: criteria provided, single submitter. Criteria: Invitae Variant Classification Sherloc (09022015). Collection method: clinical testing. Allele origin: germline.

Ambry Genetics
Classification: Uncertain significance for Hereditary cancer-predisposing syndrome. Last evaluated: 2024-12-19. Review status: criteria provided, single submitter. Criteria: Ambry Variant Classification Scheme 2023. Collection method: clinical testing. Allele origin: germline.
Comment: The c.1653+3C>G intronic variant results from a C to G substitution 3 nucleotides after coding exon 11 in the MSH3 gene. This nucleotide position is not well conserved in available vertebrate species. In silico splice site analysis predicts that this alteration will not have any significant effect on splicing. Based on the available evidence, the clinical significance of this variant remains unclear.

NM_002439.5(MSH3):c.1653+3C>G

Gene: MSH3 (mutS homolog 3; plus strand). Cytogenetic location: 5q14.1.
Variant type: single nucleotide variant.
Coding change: c.1653+3C>G on transcript NM_002439.5 (MANE Select); 3 bases into the intron after coding-DNA position 1653, C replaced by G.
Molecular consequence: intron variant.
Genome position (GRCh38, 1-based): chr5:80,741,551, C>G. VCF-style: chr5-80741551-C-G. GRCh37 (hg19) VCF-style: chr5-80037370-C-G.
Identifiers: ClinVar variation 660365 (VCV000660365.12), dbSNP rs975681352, ClinGen allele CA121299873.